The following is an entry in ClinVar:

NM_001080421.3(UNC13A):c.821C>G (p.Ser274Cys)

Gene: UNC13A (unc-13 homolog A; minus strand). Cytogenetic location: 19p13.11.
Variant type: single nucleotide variant.
Coding change: c.821C>G on transcript NM_001080421.3 (MANE Select); coding-DNA position 821, C replaced by G.
Protein change: p.Ser274Cys; replaces serine 274 with cysteine.
Molecular consequence: missense variant.
Genome position (GRCh38, 1-based): chr19:17,656,345, G>C on the plus strand (C>G on the coding strand, the complement: UNC13A is on the minus strand). VCF-style: chr19-17656345-G-C. GRCh37 (hg19) VCF-style: chr19-17767154-G-C.
Other names: p.Ser274Cys; c.821C>G, p.Ser274Cys (NM_001387021.1, NM_001387022.1, NM_001387023.1); short protein forms S274C.
Identifiers: ClinVar variation 4542335 (VCV004542335.1).

ClinVar aggregate classification (germline): Uncertain significance (1 of 4 stars; one submission).

gnomAD v4.1: 1 of 1,558,382 alleles (0.000064%); highest among the groups gnomAD compares: Non-Finnish European, 0.000087%; no homozygotes.

Submission:

Mayo Clinic Laboratories, Mayo Clinic
Classification: Uncertain significance. Last evaluated: 2025-03-14. Review status: criteria provided, single submitter. Criteria: ACMG Guidelines, 2015. Collection method: clinical testing. Allele origin: germline. Observed: 1 variant allele.
Comment: PP2, PM2_supporting